The following is an entry in ClinVar:

NM_000404.4(GLB1):c.473del (p.Val158fs)

Gene: GLB1 (galactosidase beta 1; minus strand). Cytogenetic location: 3p22.3.
Variant type: Deletion.
Coding change: c.473del on transcript NM_000404.4 (MANE Select); coding-DNA position 473, one base deleted (T; older notation c.473delT).
Protein change: p.Val158fs; shifts the reading frame from valine 158.
Molecular consequence: frameshift variant.
Genome position (GRCh38, 1-based): chr3:33,065,542, A deleted on the plus strand (T on the coding strand, the reverse complement: GLB1 is on the minus strand). VCF-style (leftmost placement, unchanged base first): chr3-33065541-CA-C. GRCh37 (hg19) VCF-style: chr3-33107033-CA-C.
Other names: c.383del, p.Val128fs (NM_001079811.3); c.261del, p.Cys87fs (NM_001135602.3); c.617del, p.Val206fs (NM_001317040.2); short protein forms C87fs, V128fs, V158fs, V206fs.
Identifiers: ClinVar variation 1069437 (VCV001069437.5), dbSNP rs2125543662, ClinGen allele CA2499216654.

ClinVar aggregate classification (germline): Pathogenic (1 of 4 stars; one submission).

Conditions:
Mucopolysaccharidosis, MPS-IV-B (MPS4B). Also called: Mucopolysaccharidosis type IV B; Mucopolysaccharidosis Type IVB; Mucopolysaccharidosis type 4B; Mucopolysaccharidosis type IVB (Morquio); MPS IVB; MORQUIO SYNDROME B. Identifiers: Orphanet 309310, Orphanet 582, MedGen C0086652, MONDO:0009660, OMIM 253010.
GM1 gangliosidosis. Identifiers: Orphanet 354, MedGen C0085131, MONDO:0018149.

Submission:

Labcorp Genetics (formerly Invitae), Labcorp
Classification: Pathogenic for Mucopolysaccharidosis, MPS-IV-B; GM1 gangliosidosis. Last evaluated: 2020-06-14. Review status: criteria provided, single submitter. Criteria: Invitae Variant Classification Sherloc (09022015). Collection method: clinical testing. Allele origin: germline.
Comment: This variant has not been reported in the literature in individuals with GLB1-related conditions. For these reasons, this variant has been classified as Pathogenic. Loss-of-function variants in GLB1 are known to be pathogenic (PMID: 18524657). This variant is not present in population databases (ExAC no frequency). This sequence change creates a premature translational stop signal (p.Val158Glyfs*12) in the GLB1 gene. It is expected to result in an absent or disrupted protein product.

Literature cited by the submitters: PubMed 18524657.